The following is an entry in ClinVar:

ClinVar aggregate classification (germline): Uncertain significance. Review status: criteria provided, multiple submitters, no conflicts (2 of 4 stars). 2 submissions from 2 submitters: Uncertain significance (2). Last evaluated 2026-02-02.

gnomAD v4.1: 2 of 1,585,328 alleles (0.00013%); highest among the groups gnomAD compares: East Asian, 0.0023%; no homozygotes.

Submissions (2):

GeneDx
Classification: Uncertain significance. Last evaluated: 2026-02-02. Review status: criteria provided, single submitter. Criteria: GeneDx Variant Classification Process June 2021. Collection method: clinical testing. Allele origin: germline.
Comment: Not observed at significant frequency in large population cohorts (gnomAD); In silico analysis suggests that this missense variant does not alter protein structure/function; Has not been previously published as pathogenic or benign to our knowledge

Labcorp Genetics (formerly Invitae), Labcorp
Classification: Uncertain significance. Last evaluated: 2025-11-08. Review status: criteria provided, single submitter. Criteria: Invitae Variant Classification Sherloc (09022015). Collection method: clinical testing. Allele origin: germline.
Comment: This sequence change replaces glutamic acid, which is acidic and polar, with aspartic acid, which is acidic and polar, at codon 377 of the COL9A3 protein (p.Glu377Asp). This variant is present in population databases (rs754277509, gnomAD no frequency). This variant has not been reported in the literature in individuals affected with COL9A3-related conditions. Invitae Evidence Modeling of protein sequence and biophysical properties (such as structural, functional, and spatial information, amino acid conservation, physicochemical variation, residue mobility, and thermodynamic stability) indicates that this missense variant is not expected to disrupt COL9A3 protein function with a negative predictive value of 95%. In summary, the available evidence is currently insufficient to determine the role of this variant in disease. Therefore, it has been classified as a Variant of Uncertain Significance.

NM_001853.4(COL9A3):c.1131G>C (p.Glu377Asp)

Gene: COL9A3 (collagen type IX alpha 3 chain; plus strand). Cytogenetic location: 20q13.33.
Variant type: single nucleotide variant.
Coding change: c.1131G>C on transcript NM_001853.4 (MANE Select); coding-DNA position 1131, G replaced by C.
Protein change: p.Glu377Asp; replaces glutamic acid 377 with aspartic acid.
Molecular consequence: missense variant.
Genome position (GRCh38, 1-based): chr20:62,829,789, G>C. VCF-style: chr20-62829789-G-C. GRCh37 (hg19) VCF-style: chr20-61461141-G-C.
Other names: c.1131G>C (NM_001853.3); short protein forms E377D.
Identifiers: ClinVar variation 4807866 (VCV004807866.2).